The following is an entry in ClinVar:

NM_006073.4(TRDN):c.319T>G (p.Phe107Val)

Gene: TRDN (triadin; minus strand). Cytogenetic location: 6q22.31.
Variant type: single nucleotide variant.
Coding change: c.319T>G on transcript NM_006073.4 (MANE Select); coding-DNA position 319, T replaced by G.
Protein change: p.Phe107Val; replaces phenylalanine 107 with valine.
Molecular consequence: missense variant.
Genome position (GRCh38, 1-based): chr6:123,548,526, A>C on the plus strand (T>G on the coding strand, the complement: TRDN is on the minus strand). VCF-style: chr6-123548526-A-C. GRCh37 (hg19) VCF-style: chr6-123869671-A-C.
Other names: c.319T>G, p.Phe107Val (NM_001256020.2, NM_001256021.2, NM_001256022.2 and 2 more transcripts); short protein forms F107V.
Identifiers: ClinVar variation 3461007 (VCV003461007.1).

ClinVar aggregate classification (germline): Uncertain significance (1 of 4 stars; one submission).

Conditions:
Cardiovascular phenotype. Identifiers: MedGen CN230736.

Submission:

Ambry Genetics
Classification: Uncertain significance for Cardiovascular phenotype. Last evaluated: 2024-11-05. Review status: criteria provided, single submitter. Criteria: Ambry Variant Classification Scheme 2023. Collection method: clinical testing. Allele origin: germline.
Comment: The p.F107V variant (also known as c.319T>G), located in coding exon 3 of the TRDN gene, results from a T to G substitution at nucleotide position 319. The phenylalanine at codon 107 is replaced by valine, an amino acid with highly similar properties. This amino acid position is conserved. In addition, the in silico prediction for this alteration is inconclusive. Based on the available evidence, the clinical significance of this variant remains unclear.